The following is an entry in ClinVar:

ClinVar aggregate classification (germline): Conflicting classifications of pathogenicity. Review status: criteria provided, conflicting classifications (1 of 4 stars). 2 submissions from 2 submitters: Uncertain significance (1); Likely benign (1). Last evaluated 2024-12-02.

Conditions:
SEMA3B-related disorder. Also called: SEMA3B-related condition.

Submissions (2):

PreventionGenetics, part of Exact Sciences
Classification: Likely benign for SEMA3B-related condition. Last evaluated: 2024-12-02. Review status: criteria provided, single submitter. Criteria: ACMG Guidelines, 2015. Collection method: clinical testing. Allele origin: germline.
Comment: This variant is classified as likely benign based on ACMG/AMP sequence variant interpretation guidelines (Richards et al. 2015 PMID: 25741868, with internal and published modifications).

Ambry Genetics
Classification: Uncertain significance. Last evaluated: 2024-01-30. Review status: criteria provided, single submitter. Criteria: Ambry Variant Classification Scheme 2023. Collection method: clinical testing. Allele origin: germline.

NM_001290060.2(SEMA3B):c.1656C>A (p.Phe552Leu)

Gene: SEMA3B (semaphorin 3B; plus strand). Cytogenetic location: 3p21.31.
Variant type: single nucleotide variant.
Coding change: c.1656C>A on transcript NM_001290060.2 (MANE Select); coding-DNA position 1656, C replaced by A.
Protein change: p.Phe552Leu; replaces phenylalanine 552 with leucine.
Molecular consequence: missense variant. On other transcripts: non-coding transcript variant (1).
Genome position (GRCh38, 1-based): chr3:50,275,566, C>A. VCF-style: chr3-50275566-C-A. GRCh37 (hg19) VCF-style: chr3-50312997-C-A.
Other names: c.1653C>A, p.Phe551Leu (NM_001005914.3); c.1671C>A, p.Phe557Leu (NM_001290061.1); c.627C>A, p.Phe209Leu (NM_001290062.2, NM_001290063.2); c.1656C>A, p.Phe552Leu (NM_004636.4); short protein forms F551L, F209L, F552L, F557L.
Identifiers: ClinVar variation 3159702 (VCV003159702.2), dbSNP rs2470780694, ClinGen allele CA352919882.